The following is an entry in ClinVar:

ClinVar aggregate classification (germline): Pathogenic/Likely pathogenic. Review status: criteria provided, multiple submitters, no conflicts (2 of 4 stars). 3 submissions from 3 submitters: Pathogenic (1); Likely pathogenic (2). Last evaluated 2023-07-17.

Conditions:
Retinitis pigmentosa 28 (RP28). Identifiers: Orphanet 791, MedGen C1419614, MONDO:0011630, OMIM 606068.
FAM161A-related disorder. Also called: FAM161A-related condition.

Submissions (3):

Baylor Genetics
Classification: Likely pathogenic for Retinitis pigmentosa 28. Last evaluated: 2023-07-17. Review status: criteria provided, single submitter. Criteria: ACMG Guidelines, 2015. Collection method: clinical testing. Allele origin: unknown.

Labcorp Genetics (formerly Invitae), Labcorp
Classification: Pathogenic. Last evaluated: 2023-06-12. Review status: criteria provided, single submitter. Criteria: Invitae Variant Classification Sherloc (09022015). Collection method: clinical testing. Allele origin: germline.
Comment: For these reasons, this variant has been classified as Pathogenic. This variant has not been reported in the literature in individuals affected with FAM161A-related conditions. This variant is not present in population databases (gnomAD no frequency). This sequence change creates a premature translational stop signal (p.Phe96Serfs*4) in the FAM161A gene. It is expected to result in an absent or disrupted protein product. Loss-of-function variants in FAM161A are known to be pathogenic (PMID: 20705278, 20705279, 24651477).

Blueprint Genetics
Classification: Likely pathogenic for FAM161A-related disorders. Last evaluated: 2021-05-05. Review status: criteria provided, single submitter. Criteria: ACMG Guidelines, 2015. Collection method: clinical testing. Allele origin: germline. Affected: yes. Observed: 3 variant alleles.

Literature cited by the submitters: PubMed 20705278 (cited by Labcorp Genetics (formerly Invitae), Labcorp); PubMed 20705279 (cited by Labcorp Genetics (formerly Invitae), Labcorp); PubMed 24651477 (cited by Labcorp Genetics (formerly Invitae), Labcorp).

NM_001201543.2(FAM161A):c.287del (p.Phe96fs)

Gene: FAM161A (FAM161 centrosomal protein A; minus strand). Cytogenetic location: 2p15.
Variant type: Deletion.
Coding change: c.287del on transcript NM_001201543.2 (MANE Select); coding-DNA position 287, one base deleted (T; older notation c.287delT).
Protein change: p.Phe96fs; shifts the reading frame from phenylalanine 96.
Molecular consequence: frameshift variant. On other transcripts: non-coding transcript variant (1).
Genome position (GRCh38, 1-based): chr2:61,842,257, A deleted on the plus strand (T on the coding strand, the reverse complement: FAM161A is on the minus strand); the first of 3 consecutive A bases (chr2:61,842,257-61,842,259); deleting any one gives the same sequence. VCF-style (leftmost placement, unchanged base first): chr2-61842256-GA-G. GRCh37 (hg19) VCF-style: chr2-62069391-GA-G.
Other names: c.287del (NM_001201543.1); c.287del, p.Phe96fs (NM_032180.3); short protein forms F96fs.
Identifiers: ClinVar variation 2675372 (VCV002675372.5), dbSNP rs2466033888, ClinGen allele CA2576981671.